The following is an entry in ClinVar:

ClinVar aggregate classification (germline): Conflicting classifications of pathogenicity. Review status: criteria provided, conflicting classifications (1 of 4 stars). 2 submissions from 2 submitters: Uncertain significance (1); Likely benign (1). Last evaluated 2026-01-14.

gnomAD v4.1: 16 of 1,209,308 alleles (0.0013%); highest among the groups gnomAD compares: African/African-American, 0.0018%; no homozygotes.

Submissions (2):

GeneDx
Classification: Uncertain significance. Last evaluated: 2026-01-14. Review status: criteria provided, single submitter. Criteria: GeneDx Variant Classification Process June 2021. Collection method: clinical testing. Allele origin: germline.
Comment: In silico analysis supports that this missense variant has a deleterious effect on protein structure/function; This variant is associated with the following publications: (PMID: 36294757)

Labcorp Genetics (formerly Invitae), Labcorp
Classification: Likely benign. Last evaluated: 2025-06-23. Review status: criteria provided, single submitter. Criteria: Invitae Variant Classification Sherloc (09022015). Collection method: clinical testing. Allele origin: germline.

NM_001271696.3(ABCB7):c.1764T>G (p.His588Gln)

Gene: ABCB7 (ATP binding cassette subfamily B member 7; minus strand). Cytogenetic location: Xq13.3.
Variant type: single nucleotide variant.
Coding change: c.1764T>G on transcript NM_001271696.3 (MANE Select); coding-DNA position 1764, T replaced by G.
Protein change: p.His588Gln; replaces histidine 588 with glutamine.
Molecular consequence: missense variant.
Genome position (GRCh38, 1-based): chrX:75,065,137, A>C on the plus strand (T>G on the coding strand, the complement: ABCB7 is on the minus strand). VCF-style: chrX-75065137-A-C. GRCh37 (hg19) VCF-style: chrX-74284972-A-C.
Other names: c.1767T>G (NM_004299.3); c.1644T>G, p.His548Gln (NM_001271697.3); c.1686T>G, p.His562Gln (NM_001271698.3); c.1647T>G, p.His549Gln (NM_001271699.3); c.1767T>G, p.His589Gln (NM_004299.6); short protein forms H562Q, H548Q, H549Q, H588Q, H589Q.
Identifiers: ClinVar variation 3713338 (VCV003713338.4).